The following is an entry in ClinVar:

NM_017763.6(RNF43):c.2066C>T (p.Ala689Val)

Gene: RNF43 (ring finger protein 43; minus strand). Cytogenetic location: 17q22.
Variant type: single nucleotide variant.
Coding change: c.2066C>T on transcript NM_017763.6 (MANE Select); coding-DNA position 2066, C replaced by T.
Protein change: p.Ala689Val; replaces alanine 689 with valine.
Molecular consequence: missense variant.
Genome position (GRCh38, 1-based): chr17:58,357,710, G>A on the plus strand (C>T on the coding strand, the complement: RNF43 is on the minus strand). VCF-style: chr17-58357710-G-A. GRCh37 (hg19) VCF-style: chr17-56435071-G-A.
Other names: c.2066C>T, p.Ala689Val (NM_001305544.3); c.1685C>T, p.Ala562Val (NM_001305545.2); short protein forms A562V, A689V.
Identifiers: ClinVar variation 3946932 (VCV003946932.1).
Genomic context (GRCh38, chr17:58,357,710, plus strand): 5'-CTCTTGTCCAGGCCTGGAGGTCCACAGATCAAGGGGTGTGCCTCTGGGGACCAAGGATAT[G>A]CCACACTGGGGGTGTAATGGGGAAAAATCTGGCAAGCTGGGTGCACAGTTGCATCCTGGG-3'
Protein context (NP_060233.3, residues 679-699): QIFPHYTPSV[Ala689Val]YPWSPEAHPL

ClinVar aggregate classification (germline): Uncertain significance (1 of 4 stars; one submission).

Submission:

Ambry Genetics
Classification: Uncertain significance. Last evaluated: 2025-06-06. Review status: criteria provided, single submitter. Criteria: Ambry Variant Classification Scheme 2023. Collection method: clinical testing. Allele origin: germline.
Comment: The p.A689V variant (also known as c.2066C>T), located in coding exon 8 of the RNF43 gene, results from a C to T substitution at nucleotide position 2066. The alanine at codon 689 is replaced by valine, an amino acid with similar properties. This amino acid position is conserved. In addition, this alteration is predicted to be tolerated by in silico analysis. Based on the available evidence, the clinical significance of this variant remains unclear.